The following is an entry in ClinVar:

ClinVar aggregate classification (germline): Conflicting classifications of pathogenicity. Review status: criteria provided, conflicting classifications (1 of 4 stars). 2 submissions from 2 submitters: Uncertain significance (1); Likely benign (1). Last evaluated 2025-11-04.

Conditions:
Cardiovascular phenotype. Identifiers: MedGen CN230736.

Allele frequency attached by ClinVar (database versions not stated): gnomAD exomes below 0.00001; TOPMed below 0.00001.

Submissions (2):

Ambry Genetics
Classification: Likely benign for Cardiovascular phenotype. Last evaluated: 2025-11-04. Review status: criteria provided, single submitter. Criteria: Ambry Variant Classification Scheme 2023. Collection method: clinical testing. Allele origin: germline.

Labcorp Genetics (formerly Invitae), Labcorp
Classification: Uncertain significance. Last evaluated: 2024-01-20. Review status: criteria provided, single submitter. Criteria: Invitae Variant Classification Sherloc (09022015). Collection method: clinical testing. Allele origin: germline.
Comment: This sequence change replaces leucine, which is neutral and non-polar, with valine, which is neutral and non-polar, at codon 1891 of the ALPK3 protein (p.Leu1891Val). This variant is not present in population databases (gnomAD no frequency). This variant has not been reported in the literature in individuals affected with ALPK3-related conditions. ClinVar contains an entry for this variant (Variation ID: 1748979). An algorithm developed to predict the effect of missense changes on protein structure and function (PolyPhen-2) suggests that this variant is likely to be tolerated. In summary, the available evidence is currently insufficient to determine the role of this variant in disease. Therefore, it has been classified as a Variant of Uncertain Significance.

NM_020778.5(ALPK3):c.5065T>G (p.Leu1689Val)

Gene: ALPK3 (alpha kinase 3; plus strand). Cytogenetic location: 15q25.3.
Variant type: single nucleotide variant.
Coding change: c.5065T>G on transcript NM_020778.5 (MANE Select); coding-DNA position 5065, T replaced by G.
Protein change: p.Leu1689Val; replaces leucine 1689 with valine.
Molecular consequence: missense variant.
Genome position (GRCh38, 1-based): chr15:84,868,403, T>G. VCF-style: chr15-84868403-T-G. GRCh37 (hg19) VCF-style: chr15-85411634-T-G.
Other names: short protein forms L1689V.
Identifiers: ClinVar variation 1748979 (VCV001748979.8), dbSNP rs1445239845, ClinGen allele CA393366380.